The following is an entry in ClinVar:

ClinVar aggregate classification (germline): Uncertain significance (1 of 4 stars; one submission).

Conditions:
Dilated cardiomyopathy 1D. Identifiers: Orphanet 154, Orphanet 54260, MedGen C1832243, MONDO:0011095, OMIM 601494.
Cardiomyopathy, familial restrictive, 3. Identifiers: Orphanet 75249, MedGen C2676271, MONDO:0012900, OMIM 612422.
Hypertrophic cardiomyopathy 2. Also called: TNNT2-Related Familial Hypertrophic Cardiomyopathy. Identifiers: MedGen C1861864, MONDO:0007266, OMIM 115195.

Submission:

Labcorp Genetics (formerly Invitae), Labcorp
Classification: Uncertain significance for Cardiomyopathy, familial restrictive, 3; Hypertrophic cardiomyopathy 2; Dilated cardiomyopathy 1D. Last evaluated: 2023-01-06. Review status: criteria provided, single submitter. Criteria: Invitae Variant Classification Sherloc (09022015). Collection method: clinical testing. Allele origin: germline.
Comment: In summary, the available evidence is currently insufficient to determine the role of this variant in disease. Therefore, it has been classified as a Variant of Uncertain Significance. Experimental studies and prediction algorithms are not available or were not evaluated, and the functional significance of this variant is currently unknown. This variant has not been reported in the literature in individuals affected with TNNT2-related conditions. This variant is not present in population databases (gnomAD no frequency). This variant, c.242_244del, results in the deletion of 1 amino acid(s) of the TNNT2 protein (p.Asp81del), but otherwise preserves the integrity of the reading frame.

NM_001276345.2(TNNT2):c.272_274del (p.Asp91del)

Gene: TNNT2 (troponin T2, cardiac type; minus strand). Cytogenetic location: 1q32.1.
Variant type: Deletion.
Coding change: c.272_274del on transcript NM_001276345.2 (MANE Select); coding-DNA positions 272 to 274, 3 bases deleted (ATG; older notation c.272_274delATG).
Protein change: p.Asp91del; deletes aspartic acid 91.
Molecular consequence: inframe deletion.
Genome position (GRCh38, 1-based): chr1:201,365,630-201,365,632, CAT deleted on the plus strand (ATG on the coding strand, the reverse complement: TNNT2 is on the minus strand); deleting any 3 consecutive bases within chr1:201,365,630-201,365,633 gives the same sequence; the c. name uses the placement nearest the transcript's 3' end. VCF-style (leftmost placement, unchanged base first): chr1-201365629-CCAT-C. GRCh37 (hg19) VCF-style: chr1-201334757-CCAT-C.
Other names: c.272_274del, p.Asp91del (NM_000364.4, NM_001406723.1); c.242_244del, p.Asp81del (NM_001001430.3, NM_001001431.3, NM_001276347.2 and 3 more transcripts); c.227_229del, p.Asp76del (NM_001001432.3, NM_001406728.1); c.269_271del, p.Asp90del (NM_001276346.2); c.239_241del, p.Asp80del (NM_001406725.1); short protein forms D91del, D90del, D81del, D76del, D80del.
Identifiers: ClinVar variation 2942961 (VCV002942961.3), dbSNP rs2527025683, ClinGen allele CA2740090308.